The following is an entry in ClinVar:

NM_000548.5(TSC2):c.2950G>C (p.Glu984Gln)

Gene: TSC2 (TSC complex subunit 2; plus strand). Cytogenetic location: 16p13.3.
Variant type: single nucleotide variant.
Coding change: c.2950G>C on transcript NM_000548.5 (MANE Select); coding-DNA position 2950, G replaced by C.
Protein change: p.Glu984Gln; replaces glutamic acid 984 with glutamine.
Molecular consequence: missense variant. On other transcripts: intron variant (9).
Genome position (GRCh38, 1-based): chr16:2,077,710, G>C. VCF-style: chr16-2077710-G-C. GRCh37 (hg19) VCF-style: chr16-2127711-G-C.
Other names: c.2950G>C, p.Glu984Gln (NM_001114382.3); c.2837+1125G>C (NM_021055.3, NM_001370405.1, NM_001363528.2 and 2 more transcripts); c.2726+1125G>C (NM_001318827.2); c.2237+1125G>C (NM_001318831.2); c.2690+1125G>C (NM_001318829.2); c.2870+1125G>C (NM_001318832.2); short protein forms E984Q.
Identifiers: ClinVar variation 65212 (VCV000065212.11), dbSNP rs397515156, ClinGen allele CA018322.

ClinVar aggregate classification (germline): Uncertain significance. Review status: criteria provided, multiple submitters, no conflicts (2 of 4 stars). 4 submissions from 4 submitters: Uncertain significance (3). 1 of the submissions does not count toward it. Last evaluated 2023-11-17.

Conditions:
Tuberous sclerosis syndrome (TSC). Also called: Tuberous Sclerosis Complex; Tuberous sclerosis. Identifiers: Orphanet 805, MedGen C0041341, MONDO:0001734.
Autism spectrum disorder. Also called: Autism spectrum disorders. Identifiers: MedGen C1510586, MeSH D000067877, MONDO:0005258.
Tuberous sclerosis 2 (TSC2). Identifiers: Orphanet 805, MedGen C1860707, MONDO:0013199, OMIM 613254.

Submissions (4):

Labcorp Genetics (formerly Invitae), Labcorp
Classification: Uncertain significance for Tuberous sclerosis 2. Last evaluated: 2023-11-17. Review status: criteria provided, single submitter. Criteria: Invitae Variant Classification Sherloc (09022015). Collection method: clinical testing. Allele origin: germline.
Comment: This sequence change replaces glutamic acid, which is acidic and polar, with glutamine, which is neutral and polar, at codon 984 of the TSC2 protein (p.Glu984Gln). This variant is not present in population databases (gnomAD no frequency). This missense change has been observed in individual(s) with autism spectrum disorder (PMID: 23514105). ClinVar contains an entry for this variant (Variation ID: 65212). Advanced modeling of protein sequence and biophysical properties (such as structural, functional, and spatial information, amino acid conservation, physicochemical variation, residue mobility, and thermodynamic stability) performed at Invitae indicates that this missense variant is not expected to disrupt TSC2 protein function with a negative predictive value of 95%. In summary, the available evidence is currently insufficient to determine the role of this variant in disease. Therefore, it has been classified as a Variant of Uncertain Significance.

All of Us Research Program, National Institutes of Health
Classification: Uncertain significance for Tuberous sclerosis syndrome. Last evaluated: 2023-08-15. Review status: criteria provided, single submitter. Criteria: ACMG Guidelines, 2015. Collection method: clinical testing. Allele origin: germline. Inheritance: Autosomal dominant inheritance. Observed: 1 variant allele, 1 heterozygote.
Comment: This study involves interpretation of variants in research participants for the purpose of population health screening. Participant phenotype was not available at the time of variant classification. Additional details can be found in publication PMID: 35346344, PMCID: PMC8962531

Blueprint Genetics
Classification: Uncertain significance. Last evaluated: 2023-03-29. Review status: criteria provided, single submitter. Criteria: ACMG Guidelines, 2015. Collection method: clinical testing. Allele origin: germline.

Tuberous sclerosis database (TSC2)
No classification provided. Condition: ASD. Review status: no classification provided. Criteria: Tuberous Sclerosis Database Assertion Criteria 2015. Collection method: curation. Allele origin: germline. Affected: yes. Not counted in ClinVar's aggregate classification.

Literature cited by the submitters: PubMed 23514105 (cited by Labcorp Genetics (formerly Invitae), Labcorp).